The following is an entry in ClinVar:

NM_000138.5(FBN1):c.6490T>C (p.Cys2164Arg)

Gene: FBN1 (fibrillin 1; minus strand). Cytogenetic location: 15q21.1.
Variant type: single nucleotide variant.
Coding change: c.6490T>C on transcript NM_000138.5 (MANE Select); coding-DNA position 6490, T replaced by C.
Protein change: p.Cys2164Arg; replaces cysteine 2164 with arginine.
Molecular consequence: missense variant.
Genome position (GRCh38, 1-based): chr15:48,436,967, A>G on the plus strand (T>C on the coding strand, the complement: FBN1 is on the minus strand). VCF-style: chr15-48436967-A-G. GRCh37 (hg19) VCF-style: chr15-48729164-A-G.
Other names: c.6490T>C, p.Cys2164Arg (NM_001406716.1); short protein forms C2164R.
Identifiers: ClinVar variation 3600251 (VCV003600251.1).

ClinVar aggregate classification (germline): Pathogenic (0 of 4 stars; one submission).

Conditions:
Marfan syndrome (MFS). Also called: MARFAN SYNDROME, TYPE I; Marfan syndrome type 1; Marfan's syndrome; FBN1-Related Marfan Syndrome; Marfan syndrome, classic. Identifiers: Orphanet 284963, Orphanet 558, MedGen C0024796, MONDO:0007947, OMIM 154700.

Submission:

Department of Laboratory Medicine and Genetics, Samsung Medical Center
Classification: Pathogenic for Marfan syndrome. Last evaluated: 2025-01-02. Review status: no assertion criteria provided. Collection method: clinical testing. Allele origin: germline. Affected: yes.
Comment: The NM_000138.5:c.6490T>C is considered to be rare in the general population database (gnomAD v2.1.1). This variant is predicted to be deleterious by in-silico analysis (REVEL). This variant is located in functional domains. According to the ClinGen guidance for PP1/BS4 and PP4 criteria (PMID: 38103548), PP4 with weighted strength was applied. In summary, this variant was classified as a pathogenic variant for Marfan syndrome (PM1_S, PP2, PP3, PP4 with weighted strength, PM2_P).

Literature cited by the submitters: PubMed 29848614; PubMed 37558401.